The following is an entry in ClinVar:

ClinVar aggregate classification (germline): Benign/Likely benign. Review status: criteria provided, multiple submitters, no conflicts (2 of 4 stars). 6 submissions from 6 submitters: Benign (2); Likely benign (4). Last evaluated 2026-02-03.

Conditions:
Microcephaly-intellectual disability-sensorineural hearing loss-epilepsy-abnormal muscle tone syndrome (NEDHSB). Also called: NEURODEVELOPMENTAL DISORDER WITH HEARING LOSS, SEIZURES, AND BRAIN ABNORMALITIES. Identifiers: Orphanet 457351, MedGen C4225276, MONDO:0014698, OMIM 616577.

Allele frequency attached by ClinVar (database versions not stated): gnomAD exomes 0.00008 and 0.00028; ExAC 0.00032; 1000 Genomes Project 0.00060; 1000 Genomes Project 30x 0.00078; ESP Exome Variant Server 0.00100; gnomAD 0.00101 and 0.00110; TOPMed 0.00118.
gnomAD v4.1: 268 of 1,578,160 alleles (0.017%); highest among the groups gnomAD compares: African/African-American, 0.34%; no homozygotes.

Submissions (6):

Labcorp Genetics (formerly Invitae), Labcorp
Classification: Benign for Microcephaly-intellectual disability-sensorineural hearing loss-epilepsy-abnormal muscle tone syndrome. Last evaluated: 2026-02-03. Review status: criteria provided, single submitter. Criteria: Invitae Variant Classification Sherloc (09022015). Collection method: clinical testing. Allele origin: germline.

Blueprint Genetics
Classification: Likely benign. Last evaluated: 2024-10-30. Review status: criteria provided, single submitter. Criteria: ACMG Guidelines, 2015. Collection method: clinical testing. Allele origin: germline.

CeGaT Center for Human Genetics Tuebingen
Classification: Likely benign. Last evaluated: 2023-03-01. Review status: criteria provided, single submitter. Criteria: CeGaT Center For Human Genetics Tuebingen Variant Classification Criteria Version 2. Collection method: clinical testing. Allele origin: germline. Affected: yes. Observed: 1 variant allele.
Comment: AFG2A: BP4, BP7

GeneDx
Classification: Likely benign. Last evaluated: 2019-10-03. Review status: criteria provided, single submitter. Criteria: GeneDx Variant Classification Process June 2021. Collection method: clinical testing. Allele origin: germline. Affected: yes.

Genetic Services Laboratory, University of Chicago
Classification: Likely benign. Last evaluated: 2019-05-21. Review status: criteria provided, single submitter. Criteria: ACMG Guidelines, 2015. Collection method: clinical testing. Allele origin: germline. Affected: no.

Athena Diagnostics
Classification: Benign. Last evaluated: 2019-01-16. Review status: criteria provided, single submitter. Criteria: Athena Diagnostics Criteria. Collection method: clinical testing. Allele origin: germline.

NM_145207.3(AFG2A):c.1131G>A (p.Glu377=)

Gene: AFG2A (AAA ATPase AFG2A; plus strand). Cytogenetic location: 4q28.1.
Variant type: single nucleotide variant.
Coding change: c.1131G>A on transcript NM_145207.3 (MANE Select); coding-DNA position 1131, G replaced by A.
Protein change: p.Glu377=; no amino-acid change (glutamic acid 377 retained).
Molecular consequence: synonymous variant.
Genome position (GRCh38, 1-based): chr4:122,934,722, G>A. VCF-style: chr4-122934722-G-A. GRCh37 (hg19) VCF-style: chr4-123855877-G-A.
Other names: c.1128G>A, p.Glu376= (NM_001317799.2, NM_001345856.2).
Identifiers: ClinVar variation 475715 (VCV000475715.41), dbSNP rs139089747, ClinGen allele CA3070369.